The following is an entry in ClinVar:

NM_001098.3(ACO2):c.1390G>T (p.Glu464Ter)

Gene: ACO2 (aconitase 2; plus strand). Cytogenetic location: 22q13.2.
Variant type: single nucleotide variant.
Coding change: c.1390G>T on transcript NM_001098.3 (MANE Select); coding-DNA position 1390, G replaced by T.
Protein change: p.Glu464Ter; replaces glutamic acid 464 with a stop codon.
Molecular consequence: nonsense.
Genome position (GRCh38, 1-based): chr22:41,523,849, G>T. VCF-style: chr22-41523849-G-T. GRCh37 (hg19) VCF-style: chr22-41919853-G-T.
Other names: short protein forms E464*.
Identifiers: ClinVar variation 803705 (VCV000803705.6), dbSNP rs1601927180, ClinGen allele CA411726772.

ClinVar aggregate classification (germline): Pathogenic/Likely pathogenic. Review status: criteria provided, multiple submitters, no conflicts (2 of 4 stars). 2 submissions from 2 submitters: Pathogenic (1); Likely pathogenic (1). Last evaluated 2022-08-31.

Conditions:
Infantile cerebellar-retinal degeneration (ICRD). Identifiers: Orphanet 313850, MedGen C3281192, MONDO:0013802, OMIM 614559.

Allele frequency attached by ClinVar (database versions not stated): gnomAD 0.00001.
gnomAD v4.1: 1 of 1,612,080 alleles (0.000062%); highest among the groups gnomAD compares: Non-Finnish European, 0.000085%; no homozygotes.

Submissions (2):

Labcorp Genetics (formerly Invitae), Labcorp
Classification: Pathogenic. Last evaluated: 2022-08-31. Review status: criteria provided, single submitter. Criteria: Invitae Variant Classification Sherloc (09022015). Collection method: clinical testing. Allele origin: germline.
Comment: For these reasons, this variant has been classified as Pathogenic. ClinVar contains an entry for this variant (Variation ID: 803705). This premature translational stop signal has been observed in individual(s) with clinical features of infantile cerebellar-retinal degeneration (PMID: 34056600). This variant is not present in population databases (gnomAD no frequency). This sequence change creates a premature translational stop signal (p.Glu464*) in the ACO2 gene. It is expected to result in an absent or disrupted protein product. Loss-of-function variants in ACO2 are known to be pathogenic (PMID: 30689204, 32519519).

Mendelics
Classification: Likely pathogenic for Infantile cerebellar-retinal degeneration. Last evaluated: 2019-05-28. Review status: criteria provided, single submitter. Criteria: Mendelics Assertion Criteria 2017. Collection method: clinical testing. Allele origin: unknown.

Literature cited by the submitters: PubMed 34056600 (cited by Labcorp Genetics (formerly Invitae), Labcorp); PubMed 30689204 (cited by Labcorp Genetics (formerly Invitae), Labcorp); PubMed 32519519 (cited by Labcorp Genetics (formerly Invitae), Labcorp).